The following is an entry in ClinVar:

ClinVar aggregate classification (germline): Likely pathogenic (1 of 4 stars; one submission).

Conditions:
Methylmalonic aciduria and homocystinuria type cblD (MAHCD). Also called: METHYLMALONIC ACIDEMIA, cblH TYPE; Methylmalonic aciduria with homocystinuria cblD type. Identifiers: Orphanet 622, Orphanet 79283, MedGen C1848552, MONDO:0010185, OMIM 277410.

Submission:

Natera, Inc.
Classification: Likely pathogenic for Methylmalonic aciduria with homocystinuria cblD type. Last evaluated: 2024-04-21. Review status: criteria provided, single submitter. Criteria: Natera Variant Classification Schema (03/2026). Collection method: clinical testing. Allele origin: germline.
Comment: The c.154+2T>C variant in MMADHC is a canonical splice donor site variant predicted to affect pre-mRNA splicing, which may result in an abnormal transcript and altered protein product. This variant is expected to result in nonsense mediated decay, truncation, or a dysfunctional protein product. This variant is rare in the general population with a frequency below the threshold expected for the associated phenotype(s). Given the available evidence, this variant is classified as Likely Pathogenic.

NM_015702.3(MMADHC):c.154+2T>C

Gene: MMADHC (metabolism of cobalamin associated D; minus strand). Cytogenetic location: 2q23.2.
Variant type: single nucleotide variant.
Coding change: c.154+2T>C on transcript NM_015702.3 (MANE Select); the canonical splice donor site of the intron after coding-DNA position 154, T replaced by C.
Molecular consequence: splice donor variant.
Genome position (GRCh38, 1-based): chr2:149,582,125, A>G on the plus strand (T>C on the coding strand, the complement: MMADHC is on the minus strand). VCF-style: chr2-149582125-A-G. GRCh37 (hg19) VCF-style: chr2-150438639-A-G.
Identifiers: ClinVar variation 4815881 (VCV004815881.1).
Genomic context (GRCh38, chr2:149,582,125, plus strand): 5'-GAAAATACAACTAAAAATGTTTTGAAACAATTATAAGTAAAGCAGTAACAACTTTCACTT[A>G]CATATATCTGGAGGTGCAGCAGCCACATGAGACTCATCCGAACCTGATGATCCTGCAGTC-3'